The following is an entry in ClinVar:

NM_000814.6(GABRB3):c.184T>G (p.Cys62Gly)

Gene: GABRB3 (gamma-aminobutyric acid type A receptor subunit beta3; minus strand). Cytogenetic location: 15q12.
Variant type: single nucleotide variant.
Coding change: c.184T>G on transcript NM_000814.6 (MANE Select); coding-DNA position 184, T replaced by G.
Protein change: p.Cys62Gly; replaces cysteine 62 with glycine.
Molecular consequence: missense variant. On other transcripts: 5 prime UTR variant (1).
Genome position (GRCh38, 1-based): chr15:26,772,458, A>C on the plus strand (T>G on the coding strand, the complement: GABRB3 is on the minus strand). VCF-style: chr15-26772458-A-C. GRCh37 (hg19) VCF-style: chr15-27017605-A-C.
Other names: c.-168T>G (NM_001278631.2); c.184T>G, p.Cys62Gly (NM_021912.5); short protein forms C62G.
Identifiers: ClinVar variation 665193 (VCV000665193.8), dbSNP rs1595363628, ClinGen allele CA391465290.

ClinVar aggregate classification (germline): Uncertain significance (1 of 4 stars; one submission).

Conditions:
Epilepsy, childhood absence, susceptibility to, 1. Also called: Epilepsy, childhood absence 1. Identifiers: Orphanet 64280, MedGen C1838604, MONDO:0020759, OMIM 600131.
Epilepsy, childhood absence, susceptibility to, 5. Identifiers: Orphanet 64280, MedGen C2677087, MONDO:0012843, OMIM 612269.

Submission:

Labcorp Genetics (formerly Invitae), Labcorp
Classification: Uncertain significance for Epilepsy, childhood absence, susceptibility to, 5; Epilepsy, childhood absence, susceptibility to, 1. Last evaluated: 2020-01-28. Review status: criteria provided, single submitter. Criteria: Invitae Variant Classification Sherloc (09022015). Collection method: clinical testing. Allele origin: germline.
Comment: This variant has not been reported in the literature in individuals with GABRB3-related disease. In summary, the available evidence is currently insufficient to determine the role of this variant in disease. Therefore, it has been classified as a Variant of Uncertain Significance. Algorithms developed to predict the effect of missense changes on protein structure and function (SIFT, PolyPhen-2, Align-GVGD) all suggest that this variant is likely to be tolerated, but these predictions have not been confirmed by published functional studies and their clinical significance is uncertain. This variant is not present in population databases (ExAC no frequency). This sequence change replaces cysteine with glycine at codon 62 of the GABRB3 protein (p.Cys62Gly). The cysteine residue is weakly conserved and there is a large physicochemical difference between cysteine and glycine.